The following is an entry in ClinVar:

NM_000245.4(MET):c.1681T>G (p.Cys561Gly)

Gene: MET (MET proto-oncogene, receptor tyrosine kinase; plus strand). Cytogenetic location: 7q31.2.
Variant type: single nucleotide variant.
Coding change: c.1681T>G on transcript NM_000245.4 (MANE Select); coding-DNA position 1681, T replaced by G.
Protein change: p.Cys561Gly; replaces cysteine 561 with glycine.
Molecular consequence: missense variant.
Genome position (GRCh38, 1-based): chr7:116,741,005, T>G. VCF-style: chr7-116741005-T-G. GRCh37 (hg19) VCF-style: chr7-116381059-T-G.
Other names: c.1681T>G, p.Cys561Gly (NM_001127500.3, NM_001324401.3); c.391T>G, p.Cys131Gly (NM_001324402.2); short protein forms C561G, C131G.
Identifiers: ClinVar variation 3395107 (VCV003395107.1).

ClinVar aggregate classification (germline): Uncertain significance (1 of 4 stars; one submission).

Conditions:
Hereditary cancer-predisposing syndrome. Also called: Hereditary Cancer Syndrome; Tumor predisposition; Hereditary neoplastic syndrome; Neoplastic Syndromes, Hereditary. Identifiers: Orphanet 140162, MedGen C0027672, MeSH D009386, MONDO:0015356.

Submission:

Ambry Genetics
Classification: Uncertain significance for Hereditary cancer-predisposing syndrome. Last evaluated: 2024-07-05. Review status: criteria provided, single submitter. Criteria: Ambry Variant Classification Scheme 2023. Collection method: clinical testing. Allele origin: germline.
Comment: The p.C561G variant (also known as c.1681T>G), located in coding exon 4 of the MET gene, results from a T to G substitution at nucleotide position 1681. The cysteine at codon 561 is replaced by glycine, an amino acid with highly dissimilar properties. This amino acid position is conserved. In addition, this alteration is predicted to be deleterious by in silico analysis. Based on the available evidence, the clinical significance of this variant remains unclear.